The following is an entry in ClinVar:

NM_001609.4(ACADSB):c.*3819A>G

Gene: ACADSB (acyl-CoA dehydrogenase short/branched chain; plus strand). Cytogenetic location: 10q26.13.
Variant type: single nucleotide variant.
Coding change: c.*3819A>G on transcript NM_001609.4 (MANE Select); 3819 bases downstream of the stop codon, A replaced by G.
Molecular consequence: 3 prime UTR variant.
Genome position (GRCh38, 1-based): chr10:123,057,584, A>G. VCF-style: chr10-123057584-A-G. GRCh37 (hg19) VCF-style: chr10-124817100-A-G.
Other names: c.*3819A>G (NM_001330174.3).
Identifiers: ClinVar variation 299152 (VCV000299152.6), dbSNP rs3980942, ClinGen allele CA10628174.

ClinVar aggregate classification (germline): Benign. Review status: criteria provided, multiple submitters, no conflicts (2 of 4 stars). 2 submissions from 2 submitters: Benign (2). Last evaluated 2018-01-13.

Conditions:
Deficiency of 2-methylbutyryl-CoA dehydrogenase (ACADSB). Also called: 2-methylbutyryl-CoA dehydrogenase deficiency; SBCAD deficiency; 2-methylbutyric aciduria; Short branched-chain acyl-CoA dehydrogenase deficiency; 2-methylbutyrylglycinuria. Identifiers: Orphanet 79157, MedGen C1864912, MONDO:0012392, OMIM 610006, HP:0020147.

Allele frequency attached by ClinVar (database versions not stated): 1000 Genomes Project 0.96226; 1000 Genomes Project 30x 0.96377; TOPMed 0.98179; gnomAD 0.98286 and 0.98475; gnomAD exomes 1.00000.
gnomAD v4.1: 149,691 of 152,312 alleles (98%); highest among the groups gnomAD compares: Middle Eastern, 100%; 73,617 homozygotes.

Submissions (2):

Illumina Laboratory Services, Illumina
Classification: Benign for Deficiency of 2-methylbutyryl-CoA dehydrogenase. Last evaluated: 2018-01-13. Review status: criteria provided, single submitter. Criteria: ICSL Variant Classification Criteria 13 December 2019. Collection method: clinical testing. Allele origin: germline.
Comment: This variant was observed in the ICSL laboratory as part of a predisposition screen in an ostensibly healthy population. It had not been previously curated by ICSL or reported in the Human Gene Mutation Database (HGMD: prior to June 1st, 2018), and was therefore a candidate for classification through an automated scoring system. Utilizing variant allele frequency, disease prevalence and penetrance estimates, and inheritance mode, an automated score was calculated to assess if this variant is too frequent to cause the disease. Based on the score and internal cut-off values, a variant classified as benign is not then subjected to further curation. The score for this variant resulted in a classification of benign for this disease.

Breakthrough Genomics
Classification: Benign. Review status: criteria provided, single submitter. Criteria: ACMG Guidelines, 2015. Collection method: not provided. Allele origin: germline. Inheritance: Autosomal recessive inheritance. Affected: yes.